The following is an entry in ClinVar:

NM_014639.4(SKIC3):c.1189C>T (p.Arg397Trp)

Gene: SKIC3 (SKI3 subunit of superkiller complex; minus strand). Cytogenetic location: 5q15.
Variant type: single nucleotide variant.
Coding change: c.1189C>T on transcript NM_014639.4 (MANE Select); coding-DNA position 1189, C replaced by T.
Protein change: p.Arg397Trp; replaces arginine 397 with tryptophan.
Molecular consequence: missense variant.
Genome position (GRCh38, 1-based): chr5:95,525,619, G>A on the plus strand (C>T on the coding strand, the complement: SKIC3 is on the minus strand). VCF-style: chr5-95525619-G-A. GRCh37 (hg19) VCF-style: chr5-94861323-G-A.
Other names: c.1189C>T (NM_014639.3); short protein forms R397W.
Identifiers: ClinVar variation 1358127 (VCV001358127.6), dbSNP rs148576007, ClinGen allele CA3347400.

ClinVar aggregate classification (germline): Uncertain significance. Review status: criteria provided, multiple submitters, no conflicts (2 of 4 stars). 2 submissions from 2 submitters: Uncertain significance (2). Last evaluated 2024-01-23.

Conditions:
Inborn genetic diseases. Identifiers: MedGen C0950123, MeSH D030342.

Allele frequency attached by ClinVar (database versions not stated): gnomAD 0.00002 and 0.00003; TOPMed 0.00003; ExAC 0.00007; ESP Exome Variant Server 0.00008.
gnomAD v4.1: 31 of 1,613,862 alleles (0.0019%); highest among the groups gnomAD compares: East Asian, 0.022%; no homozygotes.

Submissions (2):

Ambry Genetics
Classification: Uncertain significance for Inborn genetic diseases. Last evaluated: 2024-01-23. Review status: criteria provided, single submitter. Criteria: Ambry Variant Classification Scheme 2023. Collection method: clinical testing. Allele origin: germline.

Labcorp Genetics (formerly Invitae), Labcorp
Classification: Uncertain significance. Last evaluated: 2022-07-20. Review status: criteria provided, single submitter. Criteria: Invitae Variant Classification Sherloc (09022015). Collection method: clinical testing. Allele origin: germline.
Comment: This sequence change replaces arginine, which is basic and polar, with tryptophan, which is neutral and slightly polar, at codon 397 of the TTC37 protein (p.Arg397Trp). This variant is present in population databases (rs148576007, gnomAD 0.05%). This variant has not been reported in the literature in individuals affected with TTC37-related conditions. ClinVar contains an entry for this variant (Variation ID: 1358127). Algorithms developed to predict the effect of missense changes on protein structure and function are either unavailable or do not agree on the potential impact of this missense change (SIFT: "Deleterious"; PolyPhen-2: "Possibly Damaging"; Align-GVGD: "Class C0"). In summary, the available evidence is currently insufficient to determine the role of this variant in disease. Therefore, it has been classified as a Variant of Uncertain Significance.